The following is an entry in ClinVar:

NM_152564.5(VPS13B):c.6346A>G (p.Ile2116Val)

Gene: VPS13B (vacuolar protein sorting 13 homolog B; plus strand). Cytogenetic location: 8q22.2.
Variant type: single nucleotide variant.
Coding change: c.6346A>G on transcript NM_152564.5 (MANE Select); coding-DNA position 6346, A replaced by G.
Protein change: p.Ile2116Val; replaces isoleucine 2116 with valine.
Molecular consequence: missense variant.
Genome position (GRCh38, 1-based): chr8:99,699,824, A>G. VCF-style: chr8-99699824-A-G. GRCh37 (hg19) VCF-style: chr8-100712052-A-G.
Other names: c.6421A>G, p.Ile2141Val (NM_017890.5); short protein forms I2116V, I2141V.
Identifiers: ClinVar variation 2116082 (VCV002116082.4), dbSNP rs2491484724, ClinGen allele CA371874967.

ClinVar aggregate classification (germline): Uncertain significance (1 of 4 stars; one submission).

Conditions:
Cohen syndrome (COH1). Also called: Cutis verticis gyrata, retinitis pigmentosa, and sensorineural deafness; PEPPER SYNDROME. Identifiers: Orphanet 193, MedGen C0265223, MONDO:0008999, OMIM 216550.

Submission:

Labcorp Genetics (formerly Invitae), Labcorp
Classification: Uncertain significance for Cohen syndrome. Last evaluated: 2022-03-23. Review status: criteria provided, single submitter. Criteria: Invitae Variant Classification Sherloc (09022015). Collection method: clinical testing. Allele origin: germline.
Comment: This variant has not been reported in the literature in individuals affected with VPS13B-related conditions. In summary, the available evidence is currently insufficient to determine the role of this variant in disease. Therefore, it has been classified as a Variant of Uncertain Significance. Algorithms developed to predict the effect of missense changes on protein structure and function are either unavailable or do not agree on the potential impact of this missense change (SIFT: "Not Available"; PolyPhen-2: "Benign"; Align-GVGD: "Not Available"). This variant is not present in population databases (gnomAD no frequency). This sequence change replaces isoleucine, which is neutral and non-polar, with valine, which is neutral and non-polar, at codon 2141 of the VPS13B protein (p.Ile2141Val).